The following is an entry in ClinVar:

ClinVar aggregate classification (germline): Pathogenic/Likely pathogenic. Review status: criteria provided, multiple submitters, no conflicts (2 of 4 stars). 7 submissions from 7 submitters: Pathogenic (3); Likely pathogenic (3). 1 of the submissions does not count toward it. Last evaluated 2026-01-06.

Conditions:
Pulmonary fibrosis and/or bone marrow failure, Telomere-related, 3. Also called: PULMONARY FIBROSIS AND/OR BONE MARROW FAILURE SYNDROME, TELOMERE-RELATED, 3. Identifiers: Orphanet 2032, MedGen C4225346, MONDO:0014613, OMIM 616373.
Dyskeratosis congenita, autosomal recessive 5 (DKCB5). Identifiers: MedGen C3554656, MONDO:0014076, OMIM 615190.
Dyskeratosis congenita. Identifiers: Orphanet 1775, MedGen C0265965, MONDO:0015780.

Allele frequency attached by ClinVar (database versions not stated): gnomAD 0.00001; ESP Exome Variant Server 0.00008; ExAC 0.00006; TOPMed 0.00001; gnomAD exomes 0.00002 and 0.00005.
gnomAD v4.1: 31 of 1,572,500 alleles (0.002%); highest among the groups gnomAD compares: Non-Finnish European, 0.00017%; no homozygotes.

Submissions (7):

Natera, Inc.
Classification: Pathogenic for Dyskeratosis congenita. Last evaluated: 2026-01-06. Review status: criteria provided, single submitter. Criteria: Natera Variant Classification Schema (03/2026). Collection method: clinical testing. Allele origin: germline.
Comment: The c.1548G>T variant in RTEL1 is a missense variant predicted to cause substitution of methionine to isoleucine at amino acid 516. This variant is rare in the general population with a frequency below the threshold expected for the associated phenotype(s). This variant has been observed in one or more individuals affected with the associated recessive disease, as either homozygous or compound heterozygous with a second variant (PMID: 23959892, 25047097, 27418648). Additionally, this variant has been observed to segregate in affected family members (PMID: 23959892). Functional studies show that this variant may disrupt protein function (PMID: 38464183). Given the available evidence, this variant is classified as Pathogenic.

Labcorp Genetics (formerly Invitae), Labcorp
Classification: Pathogenic for Dyskeratosis congenita, autosomal recessive 5; Pulmonary fibrosis and/or bone marrow failure, Telomere-related, 3. Last evaluated: 2025-07-14. Review status: criteria provided, single submitter. Criteria: Invitae Variant Classification Sherloc (09022015). Collection method: clinical testing. Allele origin: germline.
Comment: This sequence change replaces methionine, which is neutral and non-polar, with isoleucine, which is neutral and non-polar, at codon 492 of the RTEL1 protein (p.Met492Ile). This variant is present in population databases (rs370343781, gnomAD 0.09%). This missense change has been observed in individual(s) with Hoyeraal–Hreidarsson syndrome and myelodysplastic syndrome (PMID: 19461895, 23453664, 23959892, 27418648). In at least one individual the data is consistent with being in trans (on the opposite chromosome) from a pathogenic variant. It has also been observed to segregate with disease in related individuals. This variant is also known as c.1548G>T (p.Met516Ile). ClinVar contains an entry for this variant (Variation ID: 42019). An algorithm developed to predict the effect of missense changes on protein structure and function (PolyPhen-2) suggests that this variant is likely to be disruptive. Experimental studies have shown that this missense change affects RTEL1 function (PMID: 19461895, 23959892). This variant disrupts the p.Met492 amino acid residue in RTEL1. Other variant(s) that disrupt this residue have been observed in individuals with RTEL1-related conditions (PMID: 26808564), which suggests that this may be a clinically significant amino acid residue. For these reasons, this variant has been classified as Pathogenic.

Baylor Genetics
Classification: Likely pathogenic for Dyskeratosis congenita, autosomal recessive 5. Last evaluated: 2024-03-21. Review status: criteria provided, single submitter. Criteria: ACMG Guidelines, 2015. Collection method: clinical testing. Allele origin: unknown.

GeneDx
Classification: Pathogenic. Last evaluated: 2023-11-10. Review status: criteria provided, single submitter. Criteria: GeneDx Variant Classification Process June 2021. Collection method: clinical testing. Allele origin: germline. Affected: yes.
Comment: Published functional studies demonstrate telomere shortening, fragility and fusion, and growth defects (PMID: 23959892); In silico analysis supports that this missense variant has a deleterious effect on protein structure/function; Also known as M492I; This variant is associated with the following publications: (PMID: 23453664, 27418648, 27415407, 19461895, 25047097, 23959892, 32561545, 32542379, 25940403)

Revvity Omics, Revvity
Classification: Likely pathogenic. Last evaluated: 2022-03-10. Review status: criteria provided, single submitter. Criteria: ACMG Guidelines, 2015. Collection method: clinical testing. Allele origin: germline.

Women's Health and Genetics/Laboratory Corporation of America, LabCorp
Classification: Likely pathogenic for Dyskeratosis congenita. Last evaluated: 2016-06-16. Review status: criteria provided, single submitter. Criteria: LabCorp Variant Classification Summary - May 2015. Collection method: clinical testing. Allele origin: germline.
Comment: Variant summary: The RTEL1 c.1548G>T (p.Met516Ile) variant involves the alteration of a conserved nucleotide. 2/3 in silico tools used predict a damaging outcome. This variant was found in 2/35814 control chromosomes at a frequency of 0.0000558, which does not exceed the estimated maximal expected allele frequency of a pathogenic RTEL1 variant (0.001118). This variant has been detected in four affected siblings from a family who were compound heterozygous for this variant and R998X. The parents were carriers of either of the mutations and an unaffected grandfather carried this variant in heterozygous state. This family data is consistent with disease causing outcome of the variant. Functional studies using patient cells showed telomere shortening, increased senescence, and an increased frequency of telomere defects, such as fragile telomeres and signal-free ends, but no increase in pathogenic T-circle formation on 2D gel electrophoresis (Deng_2013). The same authors also showed minor changes in telomere length caused by the variant in vitro. Jalas (2013) reports the carrier frequency of this variant in AJ as 0.19%. Two reputable databases have classified this variant as pathogenic. Taken together, this variant is currently classified as a Probable Disease Variant (or Likely Pathogenic).

OMIM
Classification: Pathogenic for DYSKERATOSIS CONGENITA, AUTOSOMAL RECESSIVE 5. Last evaluated: 2013-09-03. Review status: no assertion criteria provided. Collection method: literature only. Allele origin: germline. Not counted in ClinVar's aggregate classification.

Literature cited by the submitters: PubMed 23959892 (cited by 4 submitters); PubMed 25047097 (cited by Natera, Inc.); PubMed 27418648 (cited by Natera, Inc. and Labcorp Genetics (formerly Invitae), Labcorp); PubMed 38464183 (cited by Natera, Inc.); PubMed 19461895 (cited by Labcorp Genetics (formerly Invitae), Labcorp and OMIM); PubMed 23453664 (cited by 3 submitters); PubMed 26808564 (cited by Labcorp Genetics (formerly Invitae), Labcorp).

NM_001283009.2(RTEL1):c.1476G>T (p.Met492Ile)

Genes: RTEL1 (regulator of telomere elongation helicase 1; plus strand), RTEL1-TNFRSF6B (RTEL1-TNFRSF6B readthrough (NMD candidate); plus strand). Cytogenetic location: 20q13.33.
Variant type: single nucleotide variant.
Coding change: c.1476G>T on transcript NM_001283009.2 (MANE Select); coding-DNA position 1476, G replaced by T.
Protein change: p.Met492Ile; replaces methionine 492 with isoleucine.
Molecular consequence: missense variant. On other transcripts: non-coding transcript variant (1).
Genome position (GRCh38, 1-based): chr20:63,687,765, G>T. VCF-style: chr20-63687765-G-T. GRCh37 (hg19) VCF-style: chr20-62319118-G-T.
Other names: c.807G>T, p.Met269Ile (NM_001283010.1); c.1476G>T, p.Met492Ile (NM_016434.4); c.1548G>T, p.Met516Ile (NM_032957.5); short protein forms M516I, M492I, M269I.
Identifiers: ClinVar variation 42019 (VCV000042019.43), dbSNP rs370343781, ClinGen allele CA130949.